The following is an entry in ClinVar:

NM_033004.4(NLRP1):c.1456del (p.Arg486fs)

Gene: NLRP1 (NLR family pyrin domain containing 1; minus strand). Cytogenetic location: 17p13.2.
Variant type: Deletion.
Coding change: c.1456del on transcript NM_033004.4 (MANE Select); coding-DNA position 1456, one base deleted (A; older notation c.1456delA).
Protein change: p.Arg486fs; shifts the reading frame from arginine 486.
Molecular consequence: frameshift variant.
Genome position (GRCh38, 1-based): chr17:5,559,240, T deleted on the plus strand (A on the coding strand, the reverse complement: NLRP1 is on the minus strand). VCF-style (leftmost placement, unchanged base first): chr17-5559239-CT-C. GRCh37 (hg19) VCF-style: chr17-5462559-CT-C.
Other names: c.1456del, p.Arg486fs (NM_001033053.3, NM_014922.5, NM_033006.4 and 1 more transcripts); short protein forms R486fs.
Identifiers: ClinVar variation 1354209 (VCV001354209.6), dbSNP rs2151802579, ClinGen allele CA2573153025.

ClinVar aggregate classification (germline): Uncertain significance (1 of 4 stars; one submission).

Submission:

Labcorp Genetics (formerly Invitae), Labcorp
Classification: Uncertain significance. Last evaluated: 2025-09-03. Review status: criteria provided, single submitter. Criteria: Invitae Variant Classification Sherloc (09022015). Collection method: clinical testing. Allele origin: germline.
Comment: This sequence change creates a premature translational stop signal (p.Arg486Glyfs*45) in the NLRP1 gene. It is expected to result in an absent or disrupted protein product. However, the current clinical and genetic evidence is not sufficient to establish whether loss-of-function variants in NLRP1 cause disease. This variant is not present in population databases (gnomAD no frequency). This variant has not been reported in the literature in individuals affected with NLRP1-related conditions. ClinVar contains an entry for this variant (Variation ID: 1354209). In summary, the available evidence is currently insufficient to determine the role of this variant in disease. Therefore, it has been classified as a Variant of Uncertain Significance.